The following is an entry in ClinVar:

ClinVar aggregate classification (germline): Pathogenic (1 of 4 stars; one submission).

Conditions:
Rhabdoid tumor predisposition syndrome 2 (RTPS2). Identifiers: Orphanet 231108, Orphanet 69077, MedGen C2750074, MONDO:0013224, OMIM 613325.

Submission:

Myriad Genetics, Inc.
Classification: Pathogenic for Rhabdoid tumor predisposition syndrome 2. Last evaluated: 2025-12-09. Review status: criteria provided, single submitter. Criteria: Myriad Autosomal Dominant, Autosomal Recessive and X-Linked Classification Criteria (2023). Collection method: clinical testing. Allele origin: unknown.
Comment: This variant is considered pathogenic. This variant creates a termination codon and is predicted to result in premature protein truncation.

NM_003072.5(SMARCA4):c.4318C>T (p.Gln1440Ter)

Gene: SMARCA4 (SWI/SNF related BAF chromatin remodeling complex subunit ATPase 4; plus strand). Cytogenetic location: 19p13.2.
Variant type: single nucleotide variant.
Coding change: c.4318C>T on transcript NM_003072.5 (MANE Select); coding-DNA position 4318, C replaced by T.
Protein change: p.Gln1440Ter; replaces glutamine 1440 with a stop codon.
Molecular consequence: nonsense. On other transcripts: non-coding transcript variant (1).
Genome position (GRCh38, 1-based): chr19:11,041,454, C>T. VCF-style: chr19-11041454-C-T. GRCh37 (hg19) VCF-style: chr19-11152130-C-T.
Other names: c.4219C>T, p.Gln1407Ter (NM_001128848.2, NM_001374457.1, NM_001128847.4); c.4414C>T, p.Gln1472Ter (NM_001128849.3, NM_001387283.1); c.4315C>T, p.Gln1439Ter (NM_001411150.1); c.4318C>T, p.Gln1440Ter (NM_001128844.3); c.4228C>T, p.Gln1410Ter (NM_001128845.2, NM_001128846.2); short protein forms Q1407*, Q1410*, Q1439*, Q1440*, Q1472*.
Identifiers: ClinVar variation 4813010 (VCV004813010.1).